The following is an entry in ClinVar:

ClinVar aggregate classification (germline): Likely benign (1 of 4 stars; one submission).

Conditions:
PLXNA3-related disorder. Also called: PLXNA3-related condition.

gnomAD v4.1: 5 of 1,179,842 alleles (0.00042%); highest among the groups gnomAD compares: Non-Finnish European, 0.00057%; no homozygotes.

Submission:

PreventionGenetics, part of Exact Sciences
Classification: Likely benign for PLXNA3-related condition. Last evaluated: 2025-07-02. Review status: criteria provided, single submitter. Criteria: ACMG Guidelines, 2015. Collection method: clinical testing. Allele origin: germline.
Comment: This variant is classified as likely benign based on ACMG/AMP sequence variant interpretation guidelines (Richards et al. 2015 PMID: 25741868, with internal and published modifications).

NM_017514.5(PLXNA3):c.1938C>T (p.Ser646=)

Gene: PLXNA3 (plexin A3; plus strand). Cytogenetic location: Xq28.
Variant type: single nucleotide variant.
Coding change: c.1938C>T on transcript NM_017514.5 (MANE Select); coding-DNA position 1938, C replaced by T.
Protein change: p.Ser646=; no amino-acid change (serine 646 retained).
Molecular consequence: synonymous variant.
Genome position (GRCh38, 1-based): chrX:154,464,763, C>T. VCF-style: chrX-154464763-C-T. GRCh37 (hg19) VCF-style: chrX-153693106-C-T.
Identifiers: ClinVar variation 4990360 (VCV004990360.1).